The following is an entry in ClinVar:

ClinVar aggregate classification (germline): Likely benign (1 of 4 stars; one submission).

Allele frequency attached by ClinVar (database versions not stated): gnomAD 0.00354; 1000 Genomes Project 30x 0.00375; 1000 Genomes Project 0.00379; gnomAD exomes 0.00382; TOPMed 0.00399.
gnomAD v4.1: 2,359 of 620,838 alleles (0.38%); highest among the groups gnomAD compares: Middle Eastern, 0.58%; 7 homozygotes.

Submission:

CeGaT Center for Human Genetics Tuebingen
Classification: Likely benign. Last evaluated: 2026-09-01. Review status: criteria provided, single submitter. Criteria: CeGaT Center For Human Genetics Tuebingen Variant Classification Criteria Version 2. Collection method: clinical testing. Allele origin: germline. Affected: yes. Observed: 18 variant alleles.
Comment: SLC39A13: PP3, BS2

NM_001128225.3(SLC39A13):c.735+362G>A

Gene: SLC39A13 (solute carrier family 39 member 13; plus strand). Cytogenetic location: 11p11.2.
Variant type: single nucleotide variant.
Coding change: c.735+362G>A on transcript NM_001128225.3 (MANE Select); 362 bases into the intron after coding-DNA position 735, G replaced by A.
Molecular consequence: intron variant.
Genome position (GRCh38, 1-based): chr11:47,414,048, G>A. VCF-style: chr11-47414048-G-A. GRCh37 (hg19) VCF-style: chr11-47435599-G-A.
Other names: c.735+362G>A (NM_152264.5, NM_001330245.2).
Identifiers: ClinVar variation 3024996 (VCV003024996.22), dbSNP rs142853258, ClinGen allele CA221690245.